The following is an entry in ClinVar:

ClinVar aggregate classification (germline): Uncertain significance (1 of 4 stars; one submission).

Conditions:
Usher syndrome type 3B. Also called: USHER SYNDROME, TYPE IIIB. Identifiers: MedGen C3281066, MONDO:0013788, OMIM 614504.

Submission:

Labcorp Genetics (formerly Invitae), Labcorp
Classification: Uncertain significance for Usher syndrome type 3B. Last evaluated: 2018-05-15. Review status: criteria provided, single submitter. Criteria: Invitae Variant Classification Sherloc (09022015). Collection method: clinical testing. Allele origin: germline.
Comment: In summary, the available evidence is currently insufficient to determine the role of this variant in disease. Therefore, it has been classified as a Variant of Uncertain Significance. This sequence change replaces threonine with isoleucine at codon 343 of the HARS protein (p.Thr343Ile). The threonine residue is weakly conserved and there is a moderate physicochemical difference between threonine and isoleucine. This variant is not present in population databases (ExAC no frequency). This variant has not been reported in the literature in individuals with HARS-related disease. Algorithms developed to predict the effect of missense changes on protein structure and function (SIFT, PolyPhen-2, Align-GVGD) all suggest that this variant is likely to be tolerated, but these predictions have not been confirmed by published functional studies and their clinical significance is uncertain.

NM_002109.6(HARS1):c.1028C>T (p.Thr343Ile)

Gene: HARS1 (histidyl-tRNA synthetase 1; minus strand). Cytogenetic location: 5q31.3.
Variant type: single nucleotide variant.
Coding change: c.1028C>T on transcript NM_002109.6 (MANE Select); coding-DNA position 1028, C replaced by T.
Protein change: p.Thr343Ile; replaces threonine 343 with isoleucine.
Molecular consequence: missense variant.
Genome position (GRCh38, 1-based): chr5:140,676,820, G>A on the plus strand (C>T on the coding strand, the complement: HARS1 is on the minus strand). VCF-style: chr5-140676820-G-A. GRCh37 (hg19) VCF-style: chr5-140056405-G-A.
Other names: c.908C>T, p.Thr303Ile (NM_001258040.3); c.968C>T, p.Thr323Ile (NM_001258041.3); c.848C>T, p.Thr283Ile (NM_001258042.3); c.806C>T, p.Thr269Ile (NM_001289092.2); c.686C>T, p.Thr229Ile (NM_001289093.2); c.941C>T, p.Thr314Ile (NM_001289094.2); short protein forms T343I, T269I, T323I, T229I, T283I, T303I, T314I.
Identifiers: ClinVar variation 583085 (VCV000583085.8), dbSNP rs1562005331, ClinGen allele CA361251652.